The following is an entry in ClinVar:

ClinVar aggregate classification (germline): Uncertain significance (1 of 4 stars; one submission).

Conditions:
Amyotrophic lateral sclerosis type 4 (ALS4). Also called: AMYOTROPHIC LATERAL SCLEROSIS 4, JUVENILE; NEURONOPATHY, DISTAL HEREDITARY MOTOR, WITH PYRAMIDAL FEATURES. Identifiers: Orphanet 357043, MedGen C1865409, MONDO:0011223, OMIM 602433.
Spinocerebellar ataxia, autosomal recessive, with axonal neuropathy 2 (SCAN2). Also called: Ataxia with Oculomotor Apraxia Type 2; Ataxia with Oculomotor Apraxia; Ataxia-ocular apraxia-2; ATAXIA-OCULOMOTOR APRAXIA 2. Identifiers: Orphanet 64753, MedGen C1853761, MONDO:0018996, OMIM 606002.

Submission:

Labcorp Genetics (formerly Invitae), Labcorp
Classification: Uncertain significance for Amyotrophic lateral sclerosis type 4; Spinocerebellar ataxia, autosomal recessive, with axonal neuropathy 2. Last evaluated: 2023-06-29. Review status: criteria provided, single submitter. Criteria: Invitae Variant Classification Sherloc (09022015). Collection method: clinical testing. Allele origin: germline.
Comment: Experimental studies and prediction algorithms are not available or were not evaluated, and the functional significance of this variant is currently unknown. This sequence change creates a premature translational stop signal (p.Gln2588_Gln2589delinsHis*) in the SETX gene. While this is not anticipated to result in nonsense mediated decay, it is expected to disrupt the last 90 amino acid(s) of the SETX protein. Information on the frequency of this variant in the gnomAD database is not available, as this variant may be reported differently in the database. This variant has not been reported in the literature in individuals affected with SETX-related conditions. ClinVar contains an entry for this variant (Variation ID: 1481890). In summary, the available evidence is currently insufficient to determine the role of this variant in disease. Therefore, it has been classified as a Variant of Uncertain Significance.

NM_015046.7(SETX):c.7764_7765delinsTT (p.Gln2588_Gln2589delinsHisTer)

Gene: SETX (senataxin; minus strand). Cytogenetic location: 9q34.13.
Variant type: Indel.
Coding change: c.7764_7765delinsTT on transcript NM_015046.7 (MANE Select); coding-DNA positions 7764 to 7765, GC replaced by TT.
Protein change: p.Gln2588_Gln2589delinsHisTer.
Molecular consequence: nonsense.
Genome position (GRCh38, 1-based): chr9:132,264,508-132,264,509, GC replaced by AA on the plus strand (GC replaced by TT on the coding strand, the reverse complement: SETX is on the minus strand). VCF-style: chr9-132264508-GC-AA. GRCh37 (hg19) VCF-style: chr9-135139895-GC-AA.
Other names: c.7764_7765delinsTT, p.Gln2588_Gln2589delinsHisTer (NM_001351527.2); c.7851_7852delinsTT, p.Gln2617_Gln2618delinsHisTer (NM_001351528.2).
Identifiers: ClinVar variation 1481890 (VCV001481890.6), dbSNP rs2131111712, ClinGen allele CA2573144029.